The following is an entry in ClinVar:

ClinVar aggregate classification (germline): Benign (1 of 4 stars; one submission).

Conditions:
Hereditary sensory and autonomic neuropathy with spastic paraplegia (HSNSP). Identifiers: Orphanet 139578, MedGen C1850395, MONDO:0009748, OMIM 256840.

Allele frequency attached by ClinVar (database versions not stated): gnomAD 0.00349 and 0.00377; TOPMed 0.00378; 1000 Genomes Project 0.00459; 1000 Genomes Project 30x 0.00578.
gnomAD v4.1: 529 of 152,340 alleles (0.35%); highest among the groups gnomAD compares: African/African-American, 1.2%; 1 homozygote.

Submission:

Illumina Laboratory Services, Illumina
Classification: Benign for Hereditary sensory and autonomic neuropathy with spastic paraplegia. Last evaluated: 2018-01-12. Review status: criteria provided, single submitter. Criteria: ICSL Variant Classification Criteria 13 December 2019. Collection method: clinical testing. Allele origin: germline.
Comment: This variant was observed in the ICSL laboratory as part of a predisposition screen in an ostensibly healthy population. It had not been previously curated by ICSL or reported in the Human Gene Mutation Database (HGMD: prior to June 1st, 2018), and was therefore a candidate for classification through an automated scoring system. Utilizing variant allele frequency, disease prevalence and penetrance estimates, and inheritance mode, an automated score was calculated to assess if this variant is too frequent to cause the disease. Based on the score and internal cut-off values, a variant classified as benign is not then subjected to further curation. The score for this variant resulted in a classification of benign for this disease.

NM_012073.5(CCT5):c.*1400A>G

Gene: CCT5 (chaperonin containing TCP1 subunit 5; plus strand). Cytogenetic location: 5p15.2.
Variant type: single nucleotide variant.
Coding change: c.*1400A>G on transcript NM_012073.5 (MANE Select); 1400 bases downstream of the stop codon, A replaced by G.
Molecular consequence: 3 prime UTR variant.
Genome position (GRCh38, 1-based): chr5:10,266,183, A>G. VCF-style: chr5-10266183-A-G. GRCh37 (hg19) VCF-style: chr5-10266295-A-G.
Other names: c.*1400A>G (NM_001306153.1, NM_001306154.2, NM_001306155.2 and 1 more transcripts).
Identifiers: ClinVar variation 905728 (VCV000905728.4), dbSNP rs140380065, ClinGen allele CA113887683.